The following is an entry in ClinVar:

NM_001457.4(FLNB):c.5263G>A (p.Val1755Ile)

Gene: FLNB (filamin B; plus strand). Cytogenetic location: 3p14.3.
Variant type: single nucleotide variant.
Coding change: c.5263G>A on transcript NM_001457.4 (MANE Select); coding-DNA position 5263, G replaced by A.
Protein change: p.Val1755Ile; replaces valine 1755 with isoleucine.
Molecular consequence: missense variant.
Genome position (GRCh38, 1-based): chr3:58,142,731, G>A. VCF-style: chr3-58142731-G-A. GRCh37 (hg19) VCF-style: chr3-58128458-G-A.
Other names: c.5356G>A, p.Val1786Ile (NM_001164317.2); c.5230G>A, p.Val1744Ile (NM_001164318.2); c.5191G>A, p.Val1731Ile (NM_001164319.2); short protein forms V1755I, V1786I, V1731I, V1744I.
Identifiers: ClinVar variation 2881778 (VCV002881778.3), dbSNP rs771523275, ClinGen allele CA2469003.

ClinVar aggregate classification (germline): Uncertain significance (1 of 4 stars; one submission).

Allele frequency attached by ClinVar (database versions not stated): TOPMed below 0.00001; ExAC 0.00001.
gnomAD v4.1: 6 of 1,614,182 alleles (0.00037%); highest among the groups gnomAD compares: East Asian, 0.0045%; no homozygotes.

Submission:

Labcorp Genetics (formerly Invitae), Labcorp
Classification: Uncertain significance. Last evaluated: 2025-07-20. Review status: criteria provided, single submitter. Criteria: Invitae Variant Classification Sherloc (09022015). Collection method: clinical testing. Allele origin: germline.
Comment: This sequence change replaces valine, which is neutral and non-polar, with isoleucine, which is neutral and non-polar, at codon 1755 of the FLNB protein (p.Val1755Ile). This variant is present in population databases (rs771523275, gnomAD 0.0009%). This variant has not been reported in the literature in individuals affected with FLNB-related conditions. ClinVar contains an entry for this variant (Variation ID: 2881778). Invitae Evidence Modeling of protein sequence and biophysical properties (such as structural, functional, and spatial information, amino acid conservation, physicochemical variation, residue mobility, and thermodynamic stability) indicates that this missense variant is not expected to disrupt FLNB protein function with a negative predictive value of 95%. In summary, the available evidence is currently insufficient to determine the role of this variant in disease. Therefore, it has been classified as a Variant of Uncertain Significance.